The following is an entry in ClinVar:

NM_019616.4(F7):c.1267G>A (p.Glu423Lys)

Gene: F7 (coagulation factor VII; plus strand). Cytogenetic location: 13q34.
Variant type: single nucleotide variant.
Coding change: c.1267G>A on transcript NM_019616.4 (MANE Select); coding-DNA position 1267, G replaced by A.
Protein change: p.Glu423Lys; replaces glutamic acid 423 with lysine.
Molecular consequence: missense variant. On other transcripts: non-coding transcript variant (1).
Genome position (GRCh38, 1-based): chr13:113,118,940, G>A. VCF-style: chr13-113118940-G-A. GRCh37 (hg19) VCF-style: chr13-113773254-G-A.
Other names: c.1333G>A, p.Glu445Lys (NM_000131.5); c.1081G>A, p.Glu361Lys (NM_001267554.2); short protein forms E361K, E445K, E423K.
Identifiers: ClinVar variation 883021 (VCV000883021.17), dbSNP rs3093248, ClinGen allele CA7060261.

ClinVar aggregate classification (germline): Conflicting classifications of pathogenicity. Review status: criteria provided, conflicting classifications (1 of 4 stars). 6 submissions from 6 submitters: Uncertain significance (5); Likely benign (1). Last evaluated 2026-08-05.

Conditions:
Congenital factor VII deficiency. Identifiers: Orphanet 327, MedGen C0272320, MONDO:0009211, OMIM 227500.
Myocardial infarction, susceptibility to. Identifiers: MedGen C1832662, MONDO:0012039, OMIM 608446.
Factor VII deficiency. Also called: Factor 7 deficiency; F7 DEFICIENCY; HYPOPROCONVERTINEMIA. Identifiers: MedGen C0015503, MeSH D005168, MONDO:0002244.
F7-related disorder. Also called: F7-related condition.

Allele frequency attached by ClinVar (database versions not stated): gnomAD exomes 0.00012 and 0.00026; 1000 Genomes Project 30x 0.00016; 1000 Genomes Project 0.00020; ExAC 0.00035; ESP Exome Variant Server 0.00101; gnomAD 0.00101 and 0.00113; TOPMed 0.00128.
gnomAD v4.1: 334 of 1,609,632 alleles (0.021%); highest among the groups gnomAD compares: African/African-American, 0.39%; 1 homozygote.

Submissions (6):

PreventionGenetics, part of Exact Sciences
Classification: Uncertain significance for F7-related condition. Last evaluated: 2026-08-05. Review status: criteria provided, single submitter. Criteria: ACMG Guidelines, 2015. Collection method: clinical testing. Allele origin: germline.
Comment: The F7 c.1333G>A variant is predicted to result in the amino acid substitution p.Glu445Lys. It has also been reported in cohort studies of Factor VII deficiency or bleeding disorders (Described as Gly385Lys, Herrmann et al. 2009. PubMed ID: 18976247; Huffman et al. 2015. PubMed ID: 26105150; Stefanucci et al. 2023. PubMed ID: 37647632). This variant is reported in 0.33% of alleles in individuals of African descent in gnomAD. At this time, the clinical significance of this variant is uncertain due to the absence of conclusive functional and genetic evidence.

Labcorp Genetics (formerly Invitae), Labcorp
Classification: Likely benign. Last evaluated: 2026-01-05. Review status: criteria provided, single submitter. Criteria: Invitae Variant Classification Sherloc (09022015). Collection method: clinical testing. Allele origin: germline.

Mayo Clinic Laboratories, Mayo Clinic
Classification: Uncertain significance. Last evaluated: 2025-03-10. Review status: criteria provided, single submitter. Criteria: ACMG Guidelines, 2015. Collection method: clinical testing. Allele origin: germline. Observed: 4 variant alleles.

GeneDx
Classification: Uncertain significance. Last evaluated: 2023-09-26. Review status: criteria provided, single submitter. Criteria: GeneDx Variant Classification Process June 2021. Collection method: clinical testing. Allele origin: germline. Affected: yes.
Comment: Reported in individuals with significantly lower plasma factor VII levels (Huffman et al., 2015); In silico analysis supports that this missense variant does not alter protein structure/function; This variant is associated with the following publications: (PMID: 34426522, 18976247, 26105150)

Fulgent Genetics
Classification: Uncertain significance for Congenital factor VII deficiency; Myocardial infarction, susceptibility to. Last evaluated: 2022-04-25. Review status: criteria provided, single submitter. Criteria: ACMG Guidelines, 2015. Collection method: clinical testing. Allele origin: unknown.

Illumina Laboratory Services, Illumina
Classification: Uncertain significance for Congenital factor VII deficiency. Last evaluated: 2017-04-28. Review status: criteria provided, single submitter. Criteria: ICSL Variant Classification Criteria 13 December 2019. Collection method: clinical testing. Allele origin: germline.
Comment: This variant was observed as part of a predisposition screen in an ostensibly healthy population. A literature search was performed for the gene, cDNA change, and amino acid change (where applicable). Publications were found based on this search. However, the evidence from the literature, in combination with allele frequency data from public databases where available, was not sufficient to rule this variant in or out of causing disease. Therefore, this variant is classified as a variant of unknown significance.

Literature cited by the submitters: PubMed 15741795 (cited by Mayo Clinic Laboratories, Mayo Clinic); PubMed 18976247 (cited by Mayo Clinic Laboratories, Mayo Clinic and Illumina Laboratory Services, Illumina); PubMed 26105150 (cited by Mayo Clinic Laboratories, Mayo Clinic and Illumina Laboratory Services, Illumina); PubMed 37647632 (cited by Mayo Clinic Laboratories, Mayo Clinic); PubMed 20735728 (cited by Illumina Laboratory Services, Illumina).